The following is an entry in ClinVar:

ClinVar aggregate classification (germline): Uncertain significance. Review status: criteria provided, multiple submitters, no conflicts (2 of 4 stars). 2 submissions from 2 submitters: Uncertain significance (2). Last evaluated 2024-05-15.

Allele frequency attached by ClinVar (database versions not stated): gnomAD exomes 0.00002; TOPMed 0.00002; ExAC 0.00003.
gnomAD v4.1: 26 of 1,597,704 alleles (0.0016%); highest among the groups gnomAD compares: South Asian, 0.0078%; no homozygotes.

Submissions (2):

Ambry Genetics
Classification: Uncertain significance. Last evaluated: 2024-05-15. Review status: criteria provided, single submitter. Criteria: Ambry Variant Classification Scheme 2023. Collection method: clinical testing. Allele origin: germline.

Labcorp Genetics (formerly Invitae), Labcorp
Classification: Uncertain significance. Last evaluated: 2022-11-02. Review status: criteria provided, single submitter. Criteria: Invitae Variant Classification Sherloc (09022015). Collection method: clinical testing. Allele origin: germline.
Comment: In summary, the available evidence is currently insufficient to determine the role of this variant in disease. Therefore, it has been classified as a Variant of Uncertain Significance. Algorithms developed to predict the effect of missense changes on protein structure and function (SIFT, PolyPhen-2, Align-GVGD) all suggest that this variant is likely to be disruptive. This variant has not been reported in the literature in individuals affected with MKL1-related conditions. This variant is present in population databases (rs780407081, gnomAD 0.02%). This sequence change replaces threonine, which is neutral and polar, with methionine, which is neutral and non-polar, at codon 447 of the MKL1 protein (p.Thr447Met).

NM_020831.6(MRTFA):c.1640C>T (p.Thr547Met)

Gene: MRTFA (myocardin related transcription factor A; minus strand). Cytogenetic location: 22q13.1.
Variant type: single nucleotide variant.
Coding change: c.1640C>T on transcript NM_020831.6 (MANE Select); coding-DNA position 1640, C replaced by T.
Protein change: p.Thr547Met; replaces threonine 547 with methionine.
Molecular consequence: missense variant.
Genome position (GRCh38, 1-based): chr22:40,419,098, G>A on the plus strand (C>T on the coding strand, the complement: MRTFA is on the minus strand). VCF-style: chr22-40419098-G-A. GRCh37 (hg19) VCF-style: chr22-40815102-G-A.
Other names: c.1340C>T, p.Thr447Met (NM_001282660.2); c.1490C>T, p.Thr497Met (NM_001282661.3); c.1640C>T, p.Thr547Met (NM_001282662.3); c.1445C>T, p.Thr482Met (NM_001318139.2); c.1340C>T (NM_020831.3); short protein forms T447M, T482M, T497M, T547M.
Identifiers: ClinVar variation 1914182 (VCV001914182.6), dbSNP rs780407081, ClinGen allele CA10249617.